The following is an entry in ClinVar:

NM_001101362.3(KBTBD13):c.1158C>G (p.Phe386Leu)

Gene: KBTBD13 (kelch repeat and BTB domain containing 13; plus strand). Cytogenetic location: 15q22.31.
Variant type: single nucleotide variant.
Coding change: c.1158C>G on transcript NM_001101362.3 (MANE Select); coding-DNA position 1158, C replaced by G.
Protein change: p.Phe386Leu; replaces phenylalanine 386 with leucine.
Molecular consequence: missense variant.
Genome position (GRCh38, 1-based): chr15:65,077,973, C>G. VCF-style: chr15-65077973-C-G. GRCh37 (hg19) VCF-style: chr15-65370311-C-G.
Other names: short protein forms F386L.
Identifiers: ClinVar variation 2740011 (VCV002740011.3), dbSNP rs759012584, ClinGen allele CA392865595.

ClinVar aggregate classification (germline): Uncertain significance (1 of 4 stars; one submission).

Conditions:
Nemaline myopathy 6 (NEM6). Also called: Nemaline myopathy 6, autosomal dominant. Identifiers: Orphanet 171439, MedGen C1836472, MONDO:0012237, OMIM 609273.

gnomAD v4.1: 2 of 1,610,970 alleles (0.00012%); highest among the groups gnomAD compares: East Asian, 0.0022%; no homozygotes.

Submission:

Labcorp Genetics (formerly Invitae), Labcorp
Classification: Uncertain significance for Nemaline myopathy 6. Last evaluated: 2023-03-30. Review status: criteria provided, single submitter. Criteria: Invitae Variant Classification Sherloc (09022015). Collection method: clinical testing. Allele origin: germline.
Comment: An algorithm developed to predict the effect of missense changes on protein structure and function (PolyPhen-2) suggests that this variant is likely to be disruptive. In summary, the available evidence is currently insufficient to determine the role of this variant in disease. Therefore, it has been classified as a Variant of Uncertain Significance. This variant has not been reported in the literature in individuals affected with KBTBD13-related conditions. This sequence change replaces phenylalanine, which is neutral and non-polar, with leucine, which is neutral and non-polar, at codon 386 of the KBTBD13 protein (p.Phe386Leu). This variant is present in population databases (no rsID available, gnomAD 0.0009%).